The following is an entry in ClinVar:

ClinVar aggregate classification (germline): Uncertain significance. Review status: criteria provided, multiple submitters, no conflicts (2 of 4 stars). 2 submissions from 2 submitters: Uncertain significance (2). Last evaluated 2024-07-10.

Allele frequency attached by ClinVar (database versions not stated): ExAC 0.00001; gnomAD exomes 0.00001; TOPMed 0.00002.
gnomAD v4.1: 12 of 1,600,136 alleles (0.00075%); highest among the groups gnomAD compares: South Asian, 0.0055%; no homozygotes.

Submissions (2):

Labcorp Genetics (formerly Invitae), Labcorp
Classification: Uncertain significance. Last evaluated: 2024-07-10. Review status: criteria provided, single submitter. Criteria: Invitae Variant Classification Sherloc (09022015). Collection method: clinical testing. Allele origin: germline.
Comment: This sequence change creates a premature translational stop signal (p.Arg65*) in the GINS1 gene. It is expected to result in an absent or disrupted protein product. However, the current clinical and genetic evidence is not sufficient to establish whether loss-of-function variants in GINS1 cause disease. This variant is present in population databases (rs766725581, gnomAD 0.007%). This variant has not been reported in the literature in individuals affected with GINS1-related conditions. ClinVar contains an entry for this variant (Variation ID: 1025905). Algorithms developed to predict the effect of sequence changes on RNA splicing suggest that this variant may disrupt the consensus splice site. In summary, the available evidence is currently insufficient to determine the role of this variant in disease. Therefore, it has been classified as a Variant of Uncertain Significance.

Blueprint Genetics
Classification: Uncertain significance. Last evaluated: 2023-10-03. Review status: criteria provided, single submitter. Criteria: ACMG Guidelines, 2015. Collection method: clinical testing. Allele origin: germline.

NM_021067.5(GINS1):c.193C>T (p.Arg65Ter)

Gene: GINS1 (GINS complex subunit 1; plus strand). Cytogenetic location: 20p11.21.
Variant type: single nucleotide variant.
Coding change: c.193C>T on transcript NM_021067.5 (MANE Select); coding-DNA position 193, C replaced by T.
Protein change: p.Arg65Ter; replaces arginine 65 with a stop codon.
Molecular consequence: nonsense. On other transcripts: non-coding transcript variant (1).
Genome position (GRCh38, 1-based): chr20:25,417,156, C>T. VCF-style: chr20-25417156-C-T. GRCh37 (hg19) VCF-style: chr20-25397792-C-T.
Other names: short protein forms R65*.
Identifiers: ClinVar variation 1025905 (VCV001025905.7), dbSNP rs766725581, ClinGen allele CA9796454.